The following is an entry in ClinVar:

NM_014845.6(FIG4):c.446+3A>G

Gene: FIG4 (FIG4 phosphoinositide 5-phosphatase; plus strand). Cytogenetic location: 6q21.
Variant type: single nucleotide variant.
Coding change: c.446+3A>G on transcript NM_014845.6 (MANE Select); 3 bases into the intron after coding-DNA position 446, A replaced by G.
Molecular consequence: intron variant.
Genome position (GRCh38, 1-based): chr6:109,727,268, A>G. VCF-style: chr6-109727268-A-G. GRCh37 (hg19) VCF-style: chr6-110048471-A-G.
Identifiers: ClinVar variation 543348 (VCV000543348.6), dbSNP rs201642753, ClinGen allele CA145127551.

ClinVar aggregate classification (germline): Uncertain significance (1 of 4 stars; one submission).

Conditions:
Charcot-Marie-Tooth disease type 4. Also called: Charcot-Marie-Tooth disease, type IV; Charcot-Marie-Tooth, Type 4. Identifiers: Orphanet 64749, MedGen C4082197, MONDO:0018995.

Allele frequency attached by ClinVar (database versions not stated): gnomAD exomes below 0.00001.
gnomAD v4.1: 2 of 1,595,022 alleles (0.00013%); highest among the groups gnomAD compares: Non-Finnish European, 0.00017%; no homozygotes.

Submission:

Labcorp Genetics (formerly Invitae), Labcorp
Classification: Uncertain significance for Charcot-Marie-Tooth disease type 4. Last evaluated: 2025-05-11. Review status: criteria provided, single submitter. Criteria: Invitae Variant Classification Sherloc (09022015). Collection method: clinical testing. Allele origin: germline.
Comment: This sequence change falls in intron 4 of the FIG4 gene. It does not directly change the encoded amino acid sequence of the FIG4 protein. It affects a nucleotide within the consensus splice site. This variant is not present in population databases (gnomAD no frequency). This variant has not been reported in the literature in individuals affected with FIG4-related conditions. ClinVar contains an entry for this variant (Variation ID: 543348). Variants that disrupt the consensus splice site are a relatively common cause of aberrant splicing (PMID: 17576681, 9536098). Algorithms developed to predict the effect of sequence changes on RNA splicing suggest that this variant may disrupt the consensus splice site. In summary, the available evidence is currently insufficient to determine the role of this variant in disease. Therefore, it has been classified as a Variant of Uncertain Significance.

Literature cited by the submitters: PubMed 17576681; PubMed 9536098.